The following is an entry in ClinVar:

ClinVar aggregate classification (germline): Uncertain significance (1 of 4 stars; one submission).

Submission:

Labcorp Genetics (formerly Invitae), Labcorp
Classification: Uncertain significance. Last evaluated: 2025-09-30. Review status: criteria provided, single submitter. Criteria: Invitae Variant Classification Sherloc (09022015). Collection method: clinical testing. Allele origin: germline.
Comment: This sequence change replaces threonine, which is neutral and polar, with alanine, which is neutral and non-polar, at codon 494 of the ACVR1 protein (p.Thr494Ala). This variant is not present in population databases (gnomAD no frequency). This variant has not been reported in the literature in individuals affected with ACVR1-related conditions. ClinVar contains an entry for this variant (Variation ID: 3729328). An algorithm developed to predict the effect of missense changes on protein structure and function (PolyPhen-2) suggests that this variant is likely to be disruptive. In summary, the available evidence is currently insufficient to determine the role of this variant in disease. Therefore, it has been classified as a Variant of Uncertain Significance.

NM_001111067.4(ACVR1):c.1480A>G (p.Thr494Ala)

Gene: ACVR1 (activin A receptor type 1; minus strand). Cytogenetic location: 2q24.1.
Variant type: single nucleotide variant.
Coding change: c.1480A>G on transcript NM_001111067.4 (MANE Select); coding-DNA position 1480, A replaced by G.
Protein change: p.Thr494Ala; replaces threonine 494 with alanine.
Molecular consequence: missense variant.
Genome position (GRCh38, 1-based): chr2:157,737,581, T>C on the plus strand (A>G on the coding strand, the complement: ACVR1 is on the minus strand). VCF-style: chr2-157737581-T-C. GRCh37 (hg19) VCF-style: chr2-158594093-T-C.
Other names: c.1480A>G, p.Thr494Ala (NM_001105.5, NM_001347663.1, NM_001347664.1 and 3 more transcripts); short protein forms T494A.
Identifiers: ClinVar variation 3729328 (VCV003729328.2).